The following is an entry in ClinVar:

NM_014324.6(AMACR):c.*1852C>T

Genes: C1QTNF3-AMACR (C1QTNF3-AMACR readthrough (NMD candidate); minus strand), AMACR (alpha-methylacyl-CoA racemase; minus strand). Cytogenetic location: 5p13.2.
Variant type: single nucleotide variant.
Coding change: c.*1852C>T on transcript NM_014324.6 (MANE Select); 1852 bases downstream of the stop codon, C replaced by T.
Molecular consequence: 3 prime UTR variant. On other transcripts: non-coding transcript variant (1).
Genome position (GRCh38, 1-based): chr5:33,987,241, G>A on the plus strand (C>T on the coding strand, the complement: AMACR is on the minus strand). VCF-style: chr5-33987241-G-A. GRCh37 (hg19) VCF-style: chr5-33987346-G-A.
Other names: c.*1067C>T (NM_001167595.2); c.*2243C>T (NM_203382.3).
Identifiers: ClinVar variation 905486 (VCV000905486.4), dbSNP rs563065271, ClinGen allele CA116906525.
Genomic context (GRCh38, chr5:33,987,241, plus strand): 5'-AATTTTTTTATTTTTATTTCGTAGAAACGGAGGTCCAGCCAAGTTCCCCAGGCTGGTCTC[G>A]AACTCTTGGCCTCAAGTGATCCTCCATGCCTGGGCTGGAAAACATAACCTTATGGGAAAG-3'

ClinVar aggregate classification (germline): Benign (1 of 4 stars; one submission).

Conditions:
Alpha-methylacyl-CoA racemase deficiency (AMACRD). Also called: AMACR deficiency. Identifiers: Orphanet 79095, MedGen C3280428, MONDO:0013681, OMIM 614307. Disease mechanism: loss of function.

Allele frequency attached by ClinVar (database versions not stated): gnomAD 0.00137 and 0.00196; TOPMed 0.00166; 1000 Genomes Project 30x 0.00390; 1000 Genomes Project 0.00539; gnomAD exomes 0.02618.
gnomAD v4.1: 305 of 152,506 alleles (0.2%); highest among the groups gnomAD compares: South Asian, 1.9%; 3 homozygotes.

Submission:

Illumina Laboratory Services, Illumina
Classification: Benign for Alpha-methylacyl-CoA racemase deficiency. Last evaluated: 2018-01-12. Review status: criteria provided, single submitter. Criteria: ICSL Variant Classification Criteria 13 December 2019. Collection method: clinical testing. Allele origin: germline.
Comment: This variant was observed in the ICSL laboratory as part of a predisposition screen in an ostensibly healthy population. It had not been previously curated by ICSL or reported in the Human Gene Mutation Database (HGMD: prior to June 1st, 2018), and was therefore a candidate for classification through an automated scoring system. Utilizing variant allele frequency, disease prevalence and penetrance estimates, and inheritance mode, an automated score was calculated to assess if this variant is too frequent to cause the disease. Based on the score and internal cut-off values, a variant classified as benign is not then subjected to further curation. The score for this variant resulted in a classification of benign for this disease.